The following is an entry in ClinVar:

NM_003850.3(SUCLA2):c.595T>A (p.Ser199Thr)

Gene: SUCLA2 (succinate-CoA ligase ADP-forming subunit beta; minus strand). Cytogenetic location: 13q14.2.
Variant type: single nucleotide variant.
Coding change: c.595T>A on transcript NM_003850.3 (MANE Select); coding-DNA position 595, T replaced by A.
Protein change: p.Ser199Thr; replaces serine 199 with threonine.
Molecular consequence: missense variant.
Genome position (GRCh38, 1-based): chr13:47,973,332, A>T on the plus strand (T>A on the coding strand, the complement: SUCLA2 is on the minus strand). VCF-style: chr13-47973332-A-T. GRCh37 (hg19) VCF-style: chr13-48547467-A-T.
Other names: p.S199T:TCT>ACT; short protein forms S199T.
Identifiers: ClinVar variation 139360 (VCV000139360.29), dbSNP rs7320366, ClinGen allele CA293803.

ClinVar aggregate classification (germline): Benign/Likely benign. Review status: criteria provided, multiple submitters, no conflicts (2 of 4 stars). 11 submissions from 11 submitters: Benign (7); Likely benign (1). 3 of the submissions do not count toward it. Last evaluated 2026-02-04.

Conditions:
Mitochondrial DNA depletion syndrome, encephalomyopathic form with methylmalonic aciduria (MTDPS5). Also called: Mitochondrial encephalomyopathy aminoacidopathy; MITOCHONDRIAL DNA DEPLETION SYNDROME, ENCEPHALOMYOPATHIC FORM, WITH OR WITHOUT METHYLMALONIC ACIDURIA, AUTOSOMAL RECESSIVE, SUCLA2-RELATED; Mitochondrial DNA depletion syndrome 5 (encephalomyopathic with or without methylmalonic aciduria); SUCLA2-Related Mitochondrial DNA Depletion Syndrome, Encephalomyopathic Form with Methylmalonic Aciduria. Identifiers: Orphanet 1933, MedGen C5980207, MONDO:0012791, OMIM 612073.

Allele frequency attached by ClinVar (database versions not stated): 1000 Genomes Project 30x 0.67926; 1000 Genomes Project 0.68351; TOPMed 0.71535; ESP Exome Variant Server 0.74204; ExAC 0.75155; gnomAD exomes 0.79365.
gnomAD v4.1: 1,269,517 of 1,612,708 alleles (79%); highest among the groups gnomAD compares: Non-Finnish European, 82%; 504,455 homozygotes.

Submissions (11):

Labcorp Genetics (formerly Invitae), Labcorp
Classification: Benign for Mitochondrial DNA depletion syndrome, encephalomyopathic form with methylmalonic aciduria. Last evaluated: 2026-02-04. Review status: criteria provided, single submitter. Criteria: Invitae Variant Classification Sherloc (09022015). Collection method: clinical testing. Allele origin: germline.

Blueprint Genetics
Classification: Likely benign. Last evaluated: 2024-11-27. Review status: criteria provided, single submitter. Criteria: ACMG Guidelines, 2015. Collection method: clinical testing. Allele origin: germline.

Genome-Nilou Lab
Classification: Benign for Mitochondrial DNA depletion syndrome, encephalomyopathic form with methylmalonic aciduria. Last evaluated: 2021-07-15. Review status: criteria provided, single submitter. Criteria: ACMG Guidelines, 2015. Collection method: clinical testing. Allele origin: germline. Affected: no.

Illumina Laboratory Services, Illumina
Classification: Benign for Mitochondrial DNA depletion syndrome, encephalomyopathic form with methylmalonic aciduria. Last evaluated: 2018-01-13. Review status: criteria provided, single submitter. Criteria: ICSL Variant Classification Criteria 13 December 2019. Collection method: clinical testing. Allele origin: germline.
Comment: This variant was observed in the ICSL laboratory as part of a predisposition screen in an ostensibly healthy population. It had not been previously curated by ICSL or reported in the Human Gene Mutation Database (HGMD: prior to June 1st, 2018), and was therefore a candidate for classification through an automated scoring system. Utilizing variant allele frequency, disease prevalence and penetrance estimates, and inheritance mode, an automated score was calculated to assess if this variant is too frequent to cause the disease. Based on the score and internal cut-off values, a variant classified as benign is not then subjected to further curation. The score for this variant resulted in a classification of benign for this disease.

Athena Diagnostics
Classification: Benign. Last evaluated: 2017-04-20. Review status: criteria provided, single submitter. Criteria: Athena Diagnostics Criteria. Collection method: clinical testing. Allele origin: germline.

GeneDx
Classification: Benign. Last evaluated: 2011-06-30. Review status: criteria provided, single submitter. Criteria: GeneDx Variant Classification (06012015). Collection method: clinical testing. Allele origin: germline. Affected: yes.
Comment: This variant is considered likely benign or benign based on one or more of the following criteria: it is a conservative change, it occurs at a poorly conserved position in the protein, it is predicted to be benign by multiple in silico algorithms, and/or has population frequency not consistent with disease.

Breakthrough Genomics
Classification: Benign. Review status: criteria provided, single submitter. Criteria: ACMG Guidelines, 2015. Collection method: not provided. Allele origin: germline. Inheritance: Autosomal recessive inheritance. Affected: yes.

PreventionGenetics, part of Exact Sciences
Classification: Benign. Review status: criteria provided, single submitter. Criteria: ACMG Guidelines, 2015. Collection method: clinical testing. Allele origin: germline.

Mayo Clinic Laboratories, Mayo Clinic
Classification: Benign. Last evaluated: 2016-02-19. Review status: no assertion criteria provided. Collection method: clinical testing. Allele origin: unknown. Not counted in ClinVar's aggregate classification.

Diagnostic Laboratory, Department of Genetics, University Medical Center Groningen
Classification: Benign. Review status: no assertion criteria provided. Collection method: clinical testing. Allele origin: germline. Affected: yes. Study: VKGL Data-share Consensus. Not counted in ClinVar's aggregate classification.

Joint Genome Diagnostic Labs from Nijmegen and Maastricht, Radboudumc and MUMC+
Classification: Benign. Review status: no assertion criteria provided. Collection method: clinical testing. Allele origin: germline. Affected: yes. Study: VKGL Data-share Consensus. Not counted in ClinVar's aggregate classification.